The following is an entry in ClinVar:

NM_001378609.3(OTOGL):c.5712C>A (p.Asp1904Glu)

Gene: OTOGL (otogelin like; plus strand). Cytogenetic location: 12q21.31.
Variant type: single nucleotide variant.
Coding change: c.5712C>A on transcript NM_001378609.3 (MANE Select); coding-DNA position 5712, C replaced by A.
Protein change: p.Asp1904Glu; replaces aspartic acid 1904 with glutamic acid.
Molecular consequence: missense variant.
Genome position (GRCh38, 1-based): chr12:80,355,854, C>A. VCF-style: chr12-80355854-C-A. GRCh37 (hg19) VCF-style: chr12-80749634-C-A.
Other names: c.5577C>A, p.Asp1859Glu (NM_001368062.3); c.5712C>A, p.Asp1904Glu (NM_001378610.3, NM_173591.7); short protein forms D1859E, D1904E.
Identifiers: ClinVar variation 3383949 (VCV003383949.1).

ClinVar aggregate classification (germline): Uncertain significance (0 of 4 stars; one submission).

Conditions:
Autosomal recessive nonsyndromic hearing loss 84B. Also called: Deafness, autosomal recessive 84b. Identifiers: Orphanet 90636, MedGen C3554159, MONDO:0013984, OMIM 614944.

gnomAD v4.1: 7 of 1,613,784 alleles (0.00043%); highest among the groups gnomAD compares: African/African-American, 0.0093%; no homozygotes.

Submission:

Wonkam Laboratory, Johns Hopkins University
Classification: Uncertain significance for Autosomal recessive nonsyndromic hearing loss 84B. Last evaluated: 2024-01-06. Review status: no assertion criteria provided. Collection method: research. Allele origin: paternal. Inheritance: Autosomal recessive inheritance. Affected: yes. Observed: 2 variant alleles.
Comment: The variant NM_173591.3 c.5685C>A is located in a mutational hot spot and/or critical and well-established functional domain (e.g., active site of an enzyme) without benign variation (PM1), Absent from controls (or at extremely low frequency if recessive) in Exome Sequencing Project, 1000 Genomes Project, or Exome Aggregation Consortium (PM2), Cosegregation with disease in multiple affected family members in a gene definitively known to cause the disease (PP1), Patient's phenotype or family history is highly specific for a disease with a single genetic etiology (PP4)